The following is an entry in ClinVar:

ClinVar aggregate classification (germline): Likely pathogenic (1 of 4 stars; one submission).

Conditions:
Ventricular septal defect 3 (VSD3). Identifiers: MedGen C3280785, MONDO:0013749, OMIM 614432.

Submission:

Institute of Human Genetics, Heidelberg University
Classification: Likely pathogenic for Ventricular septal defect 3. Last evaluated: 2025-08-12. Review status: criteria provided, single submitter. Criteria: ACMG Guidelines, 2015. Collection method: clinical testing. Allele origin: de novo. Affected: yes. Observed: 1 variant allele.
Comment: PP3_STR, PS2_MOD, PM1, PM2_SUP

NM_004387.4(NKX2-5):c.545T>C (p.Val182Ala)

Gene: NKX2-5 (NK2 homeobox 5; minus strand). Cytogenetic location: 5q35.1.
Variant type: single nucleotide variant.
Coding change: c.545T>C on transcript NM_004387.4 (MANE Select); coding-DNA position 545, T replaced by C.
Protein change: p.Val182Ala; replaces valine 182 with alanine.
Molecular consequence: missense variant. On other transcripts: 3 prime UTR variant (2).
Genome position (GRCh38, 1-based): chr5:173,232,999, A>G on the plus strand (T>C on the coding strand, the complement: NKX2-5 is on the minus strand). VCF-style: chr5-173232999-A-G. GRCh37 (hg19) VCF-style: chr5-172660002-A-G.
Other names: c.*498T>C (NM_001166175.2); c.*344T>C (NM_001166176.2); short protein forms V182A.
Identifiers: ClinVar variation 4277239 (VCV004277239.1).
Genomic context (GRCh38, chr5:173,232,999, plus strand): 5'-AGAGTCTGGTCCTGCCGCTGCCGCTTGCACTTGTAGCGCCGGTTCTGGAACCAGATCTTG[A>G]CCTGCGTGGACGTGAGTTTCAGCACGCTGGCCAGCTGGTCGCGTTCGGGGGCCGACAGGT-3'
Protein context (NP_004378.1, residues 172-192): ASVLKLTSTQ[Val182Ala]KIWFQNRRYK